The following is an entry in ClinVar:

ClinVar aggregate classification (germline): Uncertain significance (1 of 4 stars; one submission).

Conditions:
Dyskeratosis congenita. Identifiers: Orphanet 1775, MedGen C0265965, MONDO:0015780.

Allele frequency attached by ClinVar (database versions not stated): ExAC 0.00001; gnomAD exomes 0.00001; ESP Exome Variant Server 0.00008.

Submission:

Labcorp Genetics (formerly Invitae), Labcorp
Classification: Uncertain significance for Dyskeratosis congenita. Last evaluated: 2022-05-22. Review status: criteria provided, single submitter. Criteria: Invitae Variant Classification Sherloc (09022015). Collection method: clinical testing. Allele origin: germline.
Comment: This sequence change replaces proline, which is neutral and non-polar, with serine, which is neutral and polar, at codon 87 of the NHP2 protein (p.Pro87Ser). This variant is present in population databases (rs370656580, gnomAD 0.007%). This missense change has been observed in individual(s) with Hoyeraal-Hreidarsson syndrome (PMID: 31985013). Algorithms developed to predict the effect of missense changes on protein structure and function (SIFT, PolyPhen-2, Align-GVGD) all suggest that this variant is likely to be disruptive. Experimental studies have shown that this missense change affects NHP2 function (PMID: 31985013). In summary, the available evidence is currently insufficient to determine the role of this variant in disease. Therefore, it has been classified as a Variant of Uncertain Significance.

Literature cited by the submitters: PubMed 31985013.

NM_017838.4(NHP2):c.259C>T (p.Pro87Ser)

Gene: NHP2 (NHP2 ribonucleoprotein; minus strand). Cytogenetic location: 5q35.3.
Variant type: single nucleotide variant.
Coding change: c.259C>T on transcript NM_017838.4 (MANE Select); coding-DNA position 259, C replaced by T.
Protein change: p.Pro87Ser; replaces proline 87 with serine.
Molecular consequence: missense variant. On other transcripts: intron variant (1).
Genome position (GRCh38, 1-based): chr5:178,150,965, G>A on the plus strand (C>T on the coding strand, the complement: NHP2 is on the minus strand). VCF-style: chr5-178150965-G-A. GRCh37 (hg19) VCF-style: chr5-177577966-G-A.
Other names: c.259C>T, p.Pro87Ser (NM_001396110.1); c.231-1127C>T (NM_001034833.2); short protein forms P87S.
Identifiers: ClinVar variation 2148557 (VCV002148557.1), dbSNP rs370656580, ClinGen allele CA3589195.